The following is an entry in ClinVar:

ClinVar aggregate classification (germline): Benign (0 of 4 stars; one submission).

Conditions:
NCOR2-related disorder. Also called: NCOR2-related condition.

Allele frequency attached by ClinVar (database versions not stated): gnomAD 0.01308; ESP Exome Variant Server 0.01358; 1000 Genomes Project 0.01378; 1000 Genomes Project 30x 0.01437; TOPMed 0.01462.
gnomAD v4.1: 3,795 of 1,554,612 alleles (0.24%); highest among the groups gnomAD compares: African/African-American, 4.5%; 85 homozygotes.

Submission:

PreventionGenetics, part of Exact Sciences
Classification: Benign for NCOR2-related condition. Last evaluated: 2019-02-18. Review status: no assertion criteria provided. Collection method: clinical testing. Allele origin: germline.
Comment: This variant is classified as benign based on ACMG/AMP sequence variant interpretation guidelines (Richards et al. 2015 PMID: 25741868, with internal and published modifications).

NM_006312.6(NCOR2):c.5931G>T (p.Glu1977Asp)

Gene: NCOR2 (nuclear receptor corepressor 2; minus strand). Cytogenetic location: 12q24.31.
Variant type: single nucleotide variant.
Coding change: c.5931G>T on transcript NM_006312.6 (MANE Select); coding-DNA position 5931, G replaced by T.
Protein change: p.Glu1977Asp; replaces glutamic acid 1977 with aspartic acid.
Molecular consequence: missense variant.
Genome position (GRCh38, 1-based): chr12:124,336,937, C>A on the plus strand (G>T on the coding strand, the complement: NCOR2 is on the minus strand). VCF-style: chr12-124336937-C-A. GRCh37 (hg19) VCF-style: chr12-124821483-C-A.
Other names: c.5901G>T, p.Glu1967Asp (NM_001077261.4, NM_001206654.2); short protein forms E1967D, E1977D.
Identifiers: ClinVar variation 3038759 (VCV003038759.2), dbSNP rs2230943, ClinGen allele CA6867712.
Genomic context (GRCh38, chr12:124,336,937, plus strand): 5'-CTTCGCAGGGGTGCGGGCGATGGTGGCGTGGCCAGAGACAGGAGGCACTAGGGGCCGGGG[C>A]TCCGAGCCCTTGCTGGGGGAGGAGGCGGGCTCCAGCCCGGAGCGGGCTGGGGGCTTGGCG-3'
Protein context (NP_006303.4, residues 1967-1987): EPASSPSKGS[Glu1977Asp]PRPLVPPVSG